The following is an entry in ClinVar:

NM_018993.4(RIN2):c.1159G>A (p.Glu387Lys)

Gene: RIN2 (Ras and Rab interactor 2; plus strand). Cytogenetic location: 20p11.23.
Variant type: single nucleotide variant.
Coding change: c.1159G>A on transcript NM_018993.4 (MANE Select); coding-DNA position 1159, G replaced by A.
Protein change: p.Glu387Lys; replaces glutamic acid 387 with lysine.
Molecular consequence: missense variant.
Genome position (GRCh38, 1-based): chr20:19,975,184, G>A. VCF-style: chr20-19975184-G-A. GRCh37 (hg19) VCF-style: chr20-19955828-G-A.
Other names: c.1306G>A, p.Glu436Lys (NM_001242581.2); c.541G>A, p.Glu181Lys (NM_001378238.1); short protein forms E181K, E436K, E387K.
Identifiers: ClinVar variation 1995916 (VCV001995916.4), dbSNP rs566809436, ClinGen allele CA408362000.

ClinVar aggregate classification (germline): Uncertain significance (1 of 4 stars; one submission).

Allele frequency attached by ClinVar (database versions not stated): gnomAD exomes below 0.00001.
gnomAD v4.1: 1 of 1,607,508 alleles (0.000062%); highest among the groups gnomAD compares: Non-Finnish European, 0.000085%; no homozygotes.

Submission:

Labcorp Genetics (formerly Invitae), Labcorp
Classification: Uncertain significance. Last evaluated: 2022-05-18. Review status: criteria provided, single submitter. Criteria: Invitae Variant Classification Sherloc (09022015). Collection method: clinical testing. Allele origin: germline.
Comment: This sequence change replaces glutamic acid, which is acidic and polar, with lysine, which is basic and polar, at codon 387 of the RIN2 protein (p.Glu387Lys). This variant is not present in population databases (gnomAD no frequency). This variant has not been reported in the literature in individuals affected with RIN2-related conditions. Algorithms developed to predict the effect of missense changes on protein structure and function are either unavailable or do not agree on the potential impact of this missense change (SIFT: "Tolerated"; PolyPhen-2: "Not Available"; Align-GVGD: "Class C0"). In summary, the available evidence is currently insufficient to determine the role of this variant in disease. Therefore, it has been classified as a Variant of Uncertain Significance.